The following is an entry in ClinVar:

ClinVar aggregate classification (germline): Uncertain significance (1 of 4 stars; one submission).

Allele frequency attached by ClinVar (database versions not stated): ExAC 0.00001.
gnomAD v4.1: 2 of 1,612,600 alleles (0.00012%); highest among the groups gnomAD compares: Admixed American, 0.0033%; no homozygotes.

Submission:

Labcorp Genetics (formerly Invitae), Labcorp
Classification: Uncertain significance. Last evaluated: 2023-10-03. Review status: criteria provided, single submitter. Criteria: Invitae Variant Classification Sherloc (09022015). Collection method: clinical testing. Allele origin: germline.
Comment: This sequence change replaces aspartic acid, which is acidic and polar, with tyrosine, which is neutral and polar, at codon 9 of the CCND2 protein (p.Asp9Tyr). This variant is present in population databases (rs776260684, gnomAD 0.006%). This variant has not been reported in the literature in individuals affected with CCND2-related conditions. An algorithm developed to predict the effect of missense changes on protein structure and function (PolyPhen-2) suggests that this variant is likely to be disruptive. In summary, the available evidence is currently insufficient to determine the role of this variant in disease. Therefore, it has been classified as a Variant of Uncertain Significance.

NM_001759.4(CCND2):c.25G>T (p.Asp9Tyr)

Genes: CCND2 (cyclin D2; plus strand), CCND2-AS1 (CCND2 antisense RNA 1; minus strand). Cytogenetic location: 12p13.32.
Variant type: single nucleotide variant.
Coding change: c.25G>T on transcript NM_001759.4 (MANE Select); coding-DNA position 25, G replaced by T.
Protein change: p.Asp9Tyr; replaces aspartic acid 9 with tyrosine.
Molecular consequence: missense variant.
Genome position (GRCh38, 1-based): chr12:4,274,065, G>T. VCF-style: chr12-4274065-G-T. GRCh37 (hg19) VCF-style: chr12-4383231-G-T.
Other names: short protein forms D9Y.
Identifiers: ClinVar variation 2809676 (VCV002809676.3), dbSNP rs776260684, ClinGen allele CA6395139.